The following is an entry in ClinVar:

ClinVar aggregate classification (germline): Uncertain significance. Review status: criteria provided, multiple submitters, no conflicts (2 of 4 stars). 3 submissions from 3 submitters: Uncertain significance (3). Last evaluated 2025-08-13.

Conditions:
Inborn genetic diseases. Identifiers: MedGen C0950123, MeSH D030342.
Ullrich congenital muscular dystrophy 2 (UCMD2). Identifiers: Orphanet 75840, MedGen C4225314, MONDO:0014654, OMIM 616470.
Bethlem myopathy 2 (BTHLM2). Identifiers: Orphanet 536516, Orphanet 610, MedGen C4225313, MONDO:0034022, OMIM 616471.

gnomAD v4.1: 3 of 1,613,268 alleles (0.00019%); highest among the groups gnomAD compares: Non-Finnish European, 0.00025%; no homozygotes.

Submissions (3):

Ambry Genetics
Classification: Uncertain significance for Inborn genetic diseases. Last evaluated: 2025-08-13. Review status: criteria provided, single submitter. Criteria: Ambry Variant Classification Scheme 2023. Collection method: clinical testing. Allele origin: germline.

Labcorp Genetics (formerly Invitae), Labcorp
Classification: Uncertain significance for Bethlem myopathy 2; Ullrich congenital muscular dystrophy 2. Last evaluated: 2024-08-06. Review status: criteria provided, single submitter. Criteria: Invitae Variant Classification Sherloc (09022015). Collection method: clinical testing. Allele origin: germline.
Comment: This sequence change replaces aspartic acid, which is acidic and polar, with asparagine, which is neutral and polar, at codon 2514 of the COL12A1 protein (p.Asp2514Asn). This variant is present in population databases (no rsID available, gnomAD 0.0009%). This variant has not been reported in the literature in individuals affected with COL12A1-related conditions. ClinVar contains an entry for this variant (Variation ID: 1707103). Advanced modeling of protein sequence and biophysical properties (such as structural, functional, and spatial information, amino acid conservation, physicochemical variation, residue mobility, and thermodynamic stability) performed at Invitae indicates that this missense variant is not expected to disrupt COL12A1 protein function with a negative predictive value of 80%. In summary, the available evidence is currently insufficient to determine the role of this variant in disease. Therefore, it has been classified as a Variant of Uncertain Significance.

GeneDx
Classification: Uncertain significance. Last evaluated: 2022-03-25. Review status: criteria provided, single submitter. Criteria: GeneDx Variant Classification Process June 2021. Collection method: clinical testing. Allele origin: germline. Affected: yes.
Comment: Has not been previously published as pathogenic or benign to our knowledge; Not observed at significant frequency in large population cohorts (gnomAD); In silico analysis supports that this missense variant does not alter protein structure/function

NM_004370.6(COL12A1):c.7540G>A (p.Asp2514Asn)

Gene: COL12A1 (collagen type XII alpha 1 chain; minus strand). Cytogenetic location: 6q13.
Variant type: single nucleotide variant.
Coding change: c.7540G>A on transcript NM_004370.6 (MANE Select); coding-DNA position 7540, G replaced by A.
Protein change: p.Asp2514Asn; replaces aspartic acid 2514 with asparagine.
Molecular consequence: missense variant.
Genome position (GRCh38, 1-based): chr6:75,116,037, C>T on the plus strand (G>A on the coding strand, the complement: COL12A1 is on the minus strand). VCF-style: chr6-75116037-C-T. GRCh37 (hg19) VCF-style: chr6-75825753-C-T.
Other names: c.4048G>A, p.Asp1350Asn (NM_080645.3); short protein forms D1350N, D2514N.
Identifiers: ClinVar variation 1707103 (VCV001707103.5), dbSNP rs1290017453, ClinGen allele CA364745923.